The following is an entry in ClinVar:

ClinVar aggregate classification (germline): Likely benign (1 of 4 stars; one submission).

Conditions:
Periventricular nodular heterotopia 6 (PVNH6). Identifiers: Orphanet 2149, MedGen C3809872, MONDO:0014240, OMIM 615544.

Submission:

Centre for Medical Genetics,  Mumbai
Classification: Likely benign for Periventricular nodular heterotopia 6. Last evaluated: 2025-12-30. Review status: criteria provided, single submitter. Criteria: ACMG Guidelines, 2015. Collection method: provider interpretation. Allele origin: germline. Inheritance: Autosomal dominant inheritance. Affected: no. Observed: 1 heterozygote.
Comment: The variant is absent in gnomAD database hence, satisfies PM2 criteria. The variant satisfies the BP4 criteria: For a missense or a splice region variant, computational prediction tools unanimously support a benign effect on the gene. Hence the variant is considered likely benign.

Literature cited by the submitters: PubMed 24056535.

NM_018341.3(ERMARD):c.76T>C (p.Phe26Leu)

Gene: ERMARD (ER membrane associated RNA degradation; plus strand).
Variant type: single nucleotide variant.
Coding change: c.76T>C on transcript NM_018341.3 (MANE Select); coding-DNA position 76, T replaced by C.
Protein change: p.Phe26Leu; replaces phenylalanine 26 with leucine.
Molecular consequence: missense variant. On other transcripts: intron variant (2).
Other names: c.76T>C, p.Phe26Leu (NM_001278531.2, NM_001278533.2); c.-203-1350T>C (NM_001278532.2, NM_001410957.1); short protein forms F26L.
Identifiers: ClinVar variation 4686720 (VCV004686720.1).